The following is an entry in ClinVar:

ClinVar aggregate classification (germline): Uncertain significance (1 of 4 stars; one submission).

Conditions:
Oto-palato-digital syndrome, type II (OPD2). Also called: Otopalatodigital Syndrome Type 2 (FLNA-OPD2); Otopalatodigital Syndrome, Type II; FACIOPALATOOSSEOUS SYNDROME; OPD II SYNDROME. Identifiers: Orphanet 669, Orphanet 90652, MedGen C1844696, MONDO:0010571, OMIM 304120.
Frontometaphyseal dysplasia (FMD1). Identifiers: Orphanet 1826, MedGen C0265293, MONDO:0015942.
Melnick-Needles syndrome (MNS). Also called: Melnick-Needles Syndrome (FLNA-MNS); MELNICK-NEEDLES OSTEODYSPLASTY; OSTEODYSPLASTY OF MELNICK AND NEEDLES. Identifiers: Orphanet 2484, MedGen C0025237, MONDO:0010650, OMIM 309350.
Heterotopia, periventricular, X-linked dominant (PVNH1). Also called: PERIVENTRICULAR NODULAR HETEROTOPIA 4; HETEROTOPIA, PERIVENTRICULAR, 1; X-linked periventricular heterotopia; PERIVENTRICULAR NODULAR HETEROTOPIA 1. Identifiers: Orphanet 2149, Orphanet 82004, MedGen C1848213, MONDO:0010233, OMIM 300049.

Allele frequency attached by ClinVar (database versions not stated): gnomAD exomes 0.00001.
gnomAD v4.1: 8 of 1,210,153 alleles (0.00066%); highest among the groups gnomAD compares: East Asian, 0.0059%; no homozygotes.

Submission:

Labcorp Genetics (formerly Invitae), Labcorp
Classification: Uncertain significance for Oto-palato-digital syndrome, type II; Heterotopia, periventricular, X-linked dominant; Frontometaphyseal dysplasia; Melnick-Needles syndrome. Last evaluated: 2025-04-06. Review status: criteria provided, single submitter. Criteria: Invitae Variant Classification Sherloc (09022015). Collection method: clinical testing. Allele origin: germline.
Comment: This sequence change replaces valine, which is neutral and non-polar, with isoleucine, which is neutral and non-polar, at codon 453 of the FLNA protein (p.Val453Ile). This variant is not present in population databases (gnomAD no frequency). This variant has not been reported in the literature in individuals affected with FLNA-related conditions. ClinVar contains an entry for this variant (Variation ID: 2149990). Invitae Evidence Modeling of protein sequence and biophysical properties (such as structural, functional, and spatial information, amino acid conservation, physicochemical variation, residue mobility, and thermodynamic stability) indicates that this missense variant is not expected to disrupt FLNA protein function with a negative predictive value of 95%. In summary, the available evidence is currently insufficient to determine the role of this variant in disease. Therefore, it has been classified as a Variant of Uncertain Significance.

NM_001110556.2(FLNA):c.1357G>A (p.Val453Ile)

Gene: FLNA (filamin A; minus strand). Cytogenetic location: Xq28.
Variant type: single nucleotide variant.
Coding change: c.1357G>A on transcript NM_001110556.2 (MANE Select); coding-DNA position 1357, G replaced by A.
Protein change: p.Val453Ile; replaces valine 453 with isoleucine.
Molecular consequence: missense variant.
Genome position (GRCh38, 1-based): chrX:154,366,096, C>T on the plus strand (G>A on the coding strand, the complement: FLNA is on the minus strand). VCF-style: chrX-154366096-C-T. GRCh37 (hg19) VCF-style: chrX-153594464-C-T.
Other names: c.1357G>A, p.Val453Ile (NM_001456.4); short protein forms V453I.
Identifiers: ClinVar variation 2149990 (VCV002149990.4), dbSNP rs2148117638, ClinGen allele CA415243746.